The following is an entry in ClinVar:

ClinVar aggregate classification (germline): Uncertain significance. Review status: criteria provided, multiple submitters, no conflicts (2 of 4 stars). 2 submissions from 2 submitters: Uncertain significance (2). Last evaluated 2026-02-04.

Conditions:
Leber congenital amaurosis 9 (LCA9). Also called: LCA 9; Amaurosis congenita of Leber, type 9; LCA9 Leber Congenital Amaurosis. Identifiers: Orphanet 65, MedGen C1837873, MONDO:0012056, OMIM 608553.
NMNAT1-related disorder. Also called: NMNAT1-related condition.

Allele frequency attached by ClinVar (database versions not stated): TOPMed below 0.00001; gnomAD 0.00001; gnomAD exomes 0.00001 and 0.00002.
gnomAD v4.1: 18 of 1,613,992 alleles (0.0011%); highest among the groups gnomAD compares: Admixed American, 0.0033%; no homozygotes.

Submissions (2):

PreventionGenetics, part of Exact Sciences
Classification: Uncertain significance for NMNAT1-related condition. Last evaluated: 2026-02-04. Review status: criteria provided, single submitter. Criteria: ACMG Guidelines, 2015. Collection method: clinical testing. Allele origin: germline.
Comment: The NMNAT1 c.620G>A variant is predicted to result in the amino acid substitution p.Arg207Gln. To our knowledge, this variant has not been reported in the literature. This variant is reported in 0.0029% of alleles in individuals of Latino descent in gnomAD. At this time, the clinical significance of this variant is uncertain due to the absence of conclusive functional and genetic evidence.

Labcorp Genetics (formerly Invitae), Labcorp
Classification: Uncertain significance for Leber congenital amaurosis 9. Last evaluated: 2022-08-23. Review status: criteria provided, single submitter. Criteria: Invitae Variant Classification Sherloc (09022015). Collection method: clinical testing. Allele origin: germline.
Comment: In summary, the available evidence is currently insufficient to determine the role of this variant in disease. Therefore, it has been classified as a Variant of Uncertain Significance. This variant disrupts the p.Arg207 amino acid residue in NMNAT1. Other variant(s) that disrupt this residue have been determined to be pathogenic (PMID: 22842229, 22842230, 24940029, 26018082). This suggests that this residue is clinically significant, and that variants that disrupt this residue are likely to be disease-causing. Algorithms developed to predict the effect of sequence changes on RNA splicing suggest that this variant may create or strengthen a splice site. Algorithms developed to predict the effect of missense changes on protein structure and function output the following: SIFT: "Tolerated"; PolyPhen-2: "Benign"; Align-GVGD: "Class C0". The glutamine amino acid residue is found in multiple mammalian species, which suggests that this missense change does not adversely affect protein function. ClinVar contains an entry for this variant (Variation ID: 1378224). This variant has not been reported in the literature in individuals affected with NMNAT1-related conditions. This variant is present in population databases (no rsID available, gnomAD 0.003%). This sequence change replaces arginine, which is basic and polar, with glutamine, which is neutral and polar, at codon 207 of the NMNAT1 protein (p.Arg207Gln).

Literature cited by the submitters: PubMed 22842229 (cited by Labcorp Genetics (formerly Invitae), Labcorp); PubMed 22842230 (cited by Labcorp Genetics (formerly Invitae), Labcorp); PubMed 24940029 (cited by Labcorp Genetics (formerly Invitae), Labcorp); PubMed 26018082 (cited by Labcorp Genetics (formerly Invitae), Labcorp).

NM_022787.4(NMNAT1):c.620G>A (p.Arg207Gln)

Gene: NMNAT1 (nicotinamide nucleotide adenylyltransferase 1; plus strand). Cytogenetic location: 1p36.22.
Variant type: single nucleotide variant.
Coding change: c.620G>A on transcript NM_022787.4 (MANE Select); coding-DNA position 620, G replaced by A.
Protein change: p.Arg207Gln; replaces arginine 207 with glutamine.
Molecular consequence: missense variant.
Genome position (GRCh38, 1-based): chr1:9,982,481, G>A. VCF-style: chr1-9982481-G-A. GRCh37 (hg19) VCF-style: chr1-10042539-G-A.
Other names: c.620G>A, p.Arg207Gln (NM_001297778.1); c.620G>A (NM_022787.3); short protein forms R207Q.
Identifiers: ClinVar variation 1378224 (VCV001378224.5), dbSNP rs1026765174, ClinGen allele CA18240239.
Genomic context (GRCh38, chr1:9,982,481, plus strand): 5'-CTCGGGCTGGAAATGATGCTCAGAAGTTTATCTATGAATCGGATGTGCTGTGGAAACACC[G>A]GAGCAACATTCACGTGGTGAATGAATGGATCGCTAATGACATCTCATCCACAAAAATCCG-3'
Protein context (NP_073624.2, residues 197-217): IYESDVLWKH[Arg207Gln]SNIHVVNEWI